The following is an entry in ClinVar:

NM_001904.4(CTNNB1):c.2045T>C (p.Leu682Pro)

Gene: CTNNB1 (catenin beta 1; plus strand). Cytogenetic location: 3p22.1.
Variant type: single nucleotide variant.
Coding change: c.2045T>C on transcript NM_001904.4 (MANE Select); coding-DNA position 2045, T replaced by C.
Protein change: p.Leu682Pro; replaces leucine 682 with proline.
Molecular consequence: missense variant.
Genome position (GRCh38, 1-based): chr3:41,236,678, T>C. VCF-style: chr3-41236678-T-C. GRCh37 (hg19) VCF-style: chr3-41278169-T-C.
Other names: c.2045T>C, p.Leu682Pro (NM_001098209.2, NM_001098210.2); c.2024T>C, p.Leu675Pro (NM_001330729.2); short protein forms L675P, L682P.
Identifiers: ClinVar variation 2694207 (VCV002694207.3), dbSNP rs2125647352, ClinGen allele CA352236691.

ClinVar aggregate classification (germline): Uncertain significance (1 of 4 stars; one submission).

Submission:

Labcorp Genetics (formerly Invitae), Labcorp
Classification: Uncertain significance. Last evaluated: 2023-11-21. Review status: criteria provided, single submitter. Criteria: Invitae Variant Classification Sherloc (09022015). Collection method: clinical testing. Allele origin: germline.
Comment: This sequence change replaces leucine, which is neutral and non-polar, with proline, which is neutral and non-polar, at codon 682 of the CTNNB1 protein (p.Leu682Pro). This variant is not present in population databases (gnomAD no frequency). This variant has not been reported in the literature in individuals affected with CTNNB1-related conditions. Advanced modeling of protein sequence and biophysical properties (such as structural, functional, and spatial information, amino acid conservation, physicochemical variation, residue mobility, and thermodynamic stability) performed at Invitae indicates that this missense variant is expected to disrupt CTNNB1 protein function with a positive predictive value of 80%. In summary, the available evidence is currently insufficient to determine the role of this variant in disease. Therefore, it has been classified as a Variant of Uncertain Significance.